The following is an entry in ClinVar:

NM_001042492.3(NF1):c.2119A>C (p.Met707Leu)

Gene: NF1 (neurofibromin 1; plus strand). Cytogenetic location: 17q11.2.
Variant type: single nucleotide variant.
Coding change: c.2119A>C on transcript NM_001042492.3 (MANE Select); coding-DNA position 2119, A replaced by C.
Protein change: p.Met707Leu; replaces methionine 707 with leucine.
Molecular consequence: missense variant.
Genome position (GRCh38, 1-based): chr17:31,226,552, A>C. VCF-style: chr17-31226552-A-C. GRCh37 (hg19) VCF-style: chr17-29553570-A-C.
Other names: c.2119A>C, p.Met707Leu (NM_000267.4); short protein forms M707L.
Identifiers: ClinVar variation 2452293 (VCV002452293.2), dbSNP rs2151425829, ClinGen allele CA398982293.

ClinVar aggregate classification (germline): Uncertain significance (1 of 4 stars; one submission).

Conditions:
Hereditary cancer-predisposing syndrome. Also called: Neoplastic Syndromes, Hereditary; Tumor predisposition; Hereditary neoplastic syndrome; Hereditary Cancer Syndrome. Identifiers: Orphanet 140162, MedGen C0027672, MeSH D009386, MONDO:0015356.
Cardiovascular phenotype. Identifiers: MedGen CN230736.

Submission:

Ambry Genetics
Classification: Uncertain significance for Cardiovascular phenotype; Hereditary cancer-predisposing syndrome. Last evaluated: 2023-01-26. Review status: criteria provided, single submitter. Criteria: Ambry Variant Classification Scheme 2023. Collection method: clinical testing. Allele origin: germline.
Comment: The p.M707L variant (also known as c.2119A>C), located in coding exon 18 of the NF1 gene, results from an A to C substitution at nucleotide position 2119. The methionine at codon 707 is replaced by leucine, an amino acid with highly similar properties. This amino acid position is conserved. In addition, the in silico prediction for this alteration is inconclusive. Since supporting evidence is limited at this time, the clinical significance of this alteration remains unclear.